The following is an entry in ClinVar:

NM_033026.6(PCLO):c.10837G>T (p.Ala3613Ser)

Gene: PCLO (piccolo presynaptic cytomatrix protein; minus strand). Cytogenetic location: 7q21.11.
Variant type: single nucleotide variant.
Coding change: c.10837G>T on transcript NM_033026.6 (MANE Select); coding-DNA position 10837, G replaced by T.
Protein change: p.Ala3613Ser; replaces alanine 3613 with serine.
Molecular consequence: missense variant.
Genome position (GRCh38, 1-based): chr7:82,949,751, C>A on the plus strand (G>T on the coding strand, the complement: PCLO is on the minus strand). VCF-style: chr7-82949751-C-A. GRCh37 (hg19) VCF-style: chr7-82579067-C-A.
Other names: c.10837G>T, p.Ala3613Ser (NM_014510.3); c.10837G>T (NM_033026.5); short protein forms A3613S.
Identifiers: ClinVar variation 376889 (VCV000376889.9), dbSNP rs370030206, ClinGen allele CA4319670.

ClinVar aggregate classification (germline): Uncertain significance. Review status: criteria provided, multiple submitters, no conflicts (2 of 4 stars). 4 submissions from 4 submitters: Uncertain significance (4). Last evaluated 2025-06-23.

Conditions:
Inborn genetic diseases. Identifiers: MedGen C0950123, MeSH D030342.
Pontocerebellar hypoplasia type 3 (PCH3). Also called: CEREBELLAR ATROPHY WITH PROGRESSIVE MICROCEPHALY; PCH WITH OPTIC ATROPHY. Identifiers: Orphanet 97249, MedGen C1842687, MONDO:0011948, OMIM 608027.

Allele frequency attached by ClinVar (database versions not stated): TOPMed 0.00008; gnomAD 0.00013; ESP Exome Variant Server 0.00016; ExAC 0.00003.
gnomAD v4.1: 97 of 1,613,528 alleles (0.006%); highest among the groups gnomAD compares: Non-Finnish European, 0.0075%; no homozygotes.

Submissions (4):

Ambry Genetics
Classification: Uncertain significance for Inborn genetic diseases. Last evaluated: 2025-06-23. Review status: criteria provided, single submitter. Criteria: Ambry Variant Classification Scheme 2023. Collection method: clinical testing. Allele origin: germline.

Labcorp Genetics (formerly Invitae), Labcorp
Classification: Uncertain significance. Last evaluated: 2024-03-17. Review status: criteria provided, single submitter. Criteria: Invitae Variant Classification Sherloc (09022015). Collection method: clinical testing. Allele origin: germline.
Comment: This sequence change replaces alanine, which is neutral and non-polar, with serine, which is neutral and polar, at codon 3613 of the PCLO protein (p.Ala3613Ser). This variant is present in population databases (rs370030206, gnomAD 0.01%). This variant has not been reported in the literature in individuals affected with PCLO-related conditions. ClinVar contains an entry for this variant (Variation ID: 376889). Experimental studies and prediction algorithms are not available or were not evaluated, and the functional significance of this variant is currently unknown. In summary, the available evidence is currently insufficient to determine the role of this variant in disease. Therefore, it has been classified as a Variant of Uncertain Significance.

Department of Pathology and Laboratory Medicine, Sinai Health System
Classification: Uncertain significance for Pontocerebellar hypoplasia type 3. Last evaluated: 2021-12-10. Review status: criteria provided, single submitter. Criteria: ACMG Guidelines, 2015. Collection method: research. Allele origin: germline.

Center for Pediatric Genomic Medicine, Children's Mercy Hospital and Clinics
Classification: Uncertain significance. Last evaluated: 2016-10-03. Review status: criteria provided, single submitter. Criteria: ACMG Guidelines, 2015. Collection method: clinical testing. Allele origin: germline.
ClinVar note: Converted during submission from Uncertain Significance to Uncertain significance.